The following is an entry in ClinVar:

ClinVar aggregate classification (germline): Uncertain significance (1 of 4 stars; one submission).

Submission:

Dasa
Classification: Uncertain significance. Last evaluated: 2026-05-22. Review status: criteria provided, single submitter. Criteria: DASA Assertion Criteria. Collection method: clinical testing. Allele origin: germline.
Comment: NM_003024.3(ITSN1):c.3928A>G (p.Met1310Val) is a missense variant that results in the substitution of methionine with valine. This variant is rare in population databases. The currently available literature and clinical evidence are not sufficient to establish a definitive association between this variant and the reported condition. Therefore, this variant is classified as a variant of uncertain significance.

NM_003024.3(ITSN1):c.3928A>G (p.Met1310Val)

Gene: ITSN1 (intersectin 1; plus strand). Cytogenetic location: 21q22.11.
Variant type: single nucleotide variant.
Coding change: c.3928A>G on transcript NM_003024.3 (MANE Select); coding-DNA position 3928, A replaced by G.
Protein change: p.Met1310Val; replaces methionine 1310 with valine.
Molecular consequence: missense variant.
Genome position (GRCh38, 1-based): chr21:33,865,188, A>G. VCF-style: chr21-33865188-A-G. GRCh37 (hg19) VCF-style: chr21-35237492-A-G.
Other names: c.3913A>G, p.Met1305Val (NM_001331010.2); short protein forms M1305V, M1310V.
Identifiers: ClinVar variation 5020502 (VCV005020502.1).
Genomic context (GRCh38, chr21:33,865,188, plus strand): 5'-TCACCTCCCGTGTTTCCGTGCAGAGCGCTGAGAGTCCGCAAGAAGATGTCCGGGGAGAAG[A>G]TGCCTGTGAAGATGATTGGAGACATCCTGAGCGCACAGCTGCCGCACATGCAGCCCTACA-3'
Protein context (NP_003015.2, residues 1300-1320): RVRKKMSGEK[Met1310Val]PVKMIGDILS